The following is an entry in ClinVar:

NM_001365999.1(SZT2):c.1096C>T (p.Gln366Ter)

Gene: SZT2 (SZT2 subunit of KICSTOR complex; plus strand). Cytogenetic location: 1p34.2.
Variant type: single nucleotide variant.
Coding change: c.1096C>T on transcript NM_001365999.1 (MANE Select); coding-DNA position 1096, C replaced by T.
Protein change: p.Gln366Ter; replaces glutamine 366 with a stop codon.
Molecular consequence: nonsense.
Genome position (GRCh38, 1-based): chr1:43,420,158, C>T. VCF-style: chr1-43420158-C-T. GRCh37 (hg19) VCF-style: chr1-43885829-C-T.
Other names: c.1096C>T, p.Gln366Ter (NM_015284.4); short protein forms Q366*.
Identifiers: ClinVar variation 2849783 (VCV002849783.3), dbSNP rs2545801210, ClinGen allele CA340006454.

ClinVar aggregate classification (germline): Pathogenic (1 of 4 stars; one submission).

Submission:

Labcorp Genetics (formerly Invitae), Labcorp
Classification: Pathogenic. Last evaluated: 2023-03-26. Review status: criteria provided, single submitter. Criteria: Invitae Variant Classification Sherloc (09022015). Collection method: clinical testing. Allele origin: germline.
Comment: For these reasons, this variant has been classified as Pathogenic. This variant has not been reported in the literature in individuals affected with SZT2-related conditions. This variant is not present in population databases (gnomAD no frequency). This sequence change creates a premature translational stop signal (p.Gln366*) in the SZT2 gene. It is expected to result in an absent or disrupted protein product. Loss-of-function variants in SZT2 are known to be pathogenic (PMID: 23932106, 27248490, 28556953).

Literature cited by the submitters: PubMed 23932106; PubMed 27248490; PubMed 28556953.